The following is an entry in ClinVar:

NM_007347.5(AP4E1):c.1469A>G (p.Tyr490Cys)

Gene: AP4E1 (adaptor related protein complex 4 subunit epsilon 1; plus strand). Cytogenetic location: 15q21.2.
Variant type: single nucleotide variant.
Coding change: c.1469A>G on transcript NM_007347.5 (MANE Select); coding-DNA position 1469, A replaced by G.
Protein change: p.Tyr490Cys; replaces tyrosine 490 with cysteine.
Molecular consequence: missense variant.
Genome position (GRCh38, 1-based): chr15:50,950,090, A>G. VCF-style: chr15-50950090-A-G. GRCh37 (hg19) VCF-style: chr15-51242287-A-G.
Other names: c.1244A>G, p.Tyr415Cys (NM_001252127.2); short protein forms Y415C, Y490C.
Identifiers: ClinVar variation 2578739 (VCV002578739.25), dbSNP rs1250518787, ClinGen allele CA392418024.

ClinVar aggregate classification (germline): Likely benign (1 of 4 stars; one submission).

Allele frequency attached by ClinVar (database versions not stated): gnomAD exomes below 0.00001; gnomAD 0.00002.
gnomAD v4.1: 4 of 1,613,414 alleles (0.00025%); highest among the groups gnomAD compares: South Asian, 0.0022%; no homozygotes.

Submission:

CeGaT Center for Human Genetics Tuebingen
Classification: Likely benign. Last evaluated: 2023-08-01. Review status: criteria provided, single submitter. Criteria: CeGaT Center For Human Genetics Tuebingen Variant Classification Criteria Version 2. Collection method: clinical testing. Allele origin: germline. Affected: yes. Observed: 1 variant allele.
Comment: AP4E1: BP4